The following is an entry in ClinVar:

NM_000059.4(BRCA2):c.7509C>T (p.Val2503=)

Gene: BRCA2 (BRCA2 DNA repair associated; plus strand). Cytogenetic location: 13q13.1.
Variant type: single nucleotide variant.
Coding change: c.7509C>T on transcript NM_000059.4 (MANE Select); coding-DNA position 7509, C replaced by T.
Protein change: p.Val2503=; no amino-acid change (valine 2503 retained).
Molecular consequence: synonymous variant.
Genome position (GRCh38, 1-based): chr13:32,356,501, C>T. VCF-style: chr13-32356501-C-T. GRCh37 (hg19) VCF-style: chr13-32930638-C-T.
Identifiers: ClinVar variation 224471 (VCV000224471.19), dbSNP rs766080516, ClinGen allele CA10575927.

ClinVar aggregate classification (germline): Likely benign. Review status: reviewed by expert panel (3 of 4 stars). 6 submissions from 6 submitters: Likely benign (1). 5 of the submissions do not count toward it. Last evaluated 2017-06-29.

Conditions:
Hereditary cancer-predisposing syndrome. Also called: Tumor predisposition; Hereditary neoplastic syndrome; Neoplastic Syndromes, Hereditary; Hereditary Cancer Syndrome. Identifiers: Orphanet 140162, MedGen C0027672, MeSH D009386, MONDO:0015356.
Breast neoplasm. Also called: Neoplasm of breast; Breast tumor; Neoplasm of the breast; Breast Neoplasms. Identifiers: MedGen C1458155, MeSH D001943, MONDO:0021100, HP:0100013. Disease mechanism: gain of function.
Hereditary breast ovarian cancer syndrome. Also called: Hereditary breast and ovarian cancer; BRCA1- and BRCA2-Associated Hereditary Breast and Ovarian Cancer; Hereditary breast and/or ovarian cancer syndrome; Hereditary breast and ovarian cancer syndrome; Hereditary breast and ovarian cancer syndrome (HBOC); Breast and ovarian cancer. Identifiers: Orphanet 145, MedGen C0677776, MeSH D061325, MONDO:0003582. Disease mechanism: loss of function.
Breast-ovarian cancer, familial, susceptibility to, 2 (BROVCA2). Also called: BRCA2 Hereditary Breast and Ovarian Cancer. Identifiers: Orphanet 145, MedGen C2675520, MONDO:0012933, OMIM 612555. Disease mechanism: loss of function.

gnomAD v4.1: 2 of 1,614,236 alleles (0.00012%); highest among the groups gnomAD compares: Admixed American, 0.0017%; no homozygotes.

Submissions (6):

Evidence-based Network for the Interpretation of Germline Mutant Alleles (ENIGMA)
Classification: Likely benign for Breast-ovarian cancer, familial, susceptibility to, 2. Last evaluated: 2017-06-29. Review status: reviewed by expert panel. Criteria: ENIGMA BRCA1/2 Classification Criteria (2017-06-29). Collection method: curation. Allele origin: germline.
Comment: Synonymous substitution variant, with low bioinformatic likelihood to result in a splicing aberration (Splicing prior probability 0.02).

Labcorp Genetics (formerly Invitae), Labcorp
Classification: Likely benign for Hereditary breast ovarian cancer syndrome. Last evaluated: 2025-11-21. Review status: criteria provided, single submitter. Criteria: Invitae Variant Classification Sherloc (09022015). Collection method: clinical testing. Allele origin: germline. Not counted in ClinVar's aggregate classification.

Color Diagnostics, LLC DBA Color Health
Classification: Likely benign for Hereditary cancer-predisposing syndrome. Last evaluated: 2021-10-11. Review status: criteria provided, single submitter. Criteria: ACMG Guidelines, 2015. Collection method: clinical testing. Allele origin: germline. Not counted in ClinVar's aggregate classification.

Quest Diagnostics Nichols Institute San Juan Capistrano
Classification: Likely benign. Last evaluated: 2019-06-18. Review status: criteria provided, single submitter. Criteria: Quest Diagnostics criteria. Collection method: clinical testing. Allele origin: germline. Not counted in ClinVar's aggregate classification.

Ambry Genetics
Classification: Likely benign for Hereditary cancer-predisposing syndrome. Last evaluated: 2019-03-18. Review status: criteria provided, single submitter. Criteria: Ambry Variant Classification Scheme 2023. Collection method: clinical testing. Allele origin: germline. Not counted in ClinVar's aggregate classification.

Laboratory of Molecular Diagnosis of Cancer, West China Hospital, Sichuan University
Classification: Uncertain significance for Breast neoplasm. Last evaluated: 2015-11-01. Review status: criteria provided, single submitter. Criteria: ACMG Guidelines, 2015. Collection method: research. Allele origin: germline. Affected: yes. Observed: 1 variant allele. Not counted in ClinVar's aggregate classification.

Literature cited by the submitters: PubMed 27257965 (cited by Quest Diagnostics Nichols Institute San Juan Capistrano and Laboratory of Molecular Diagnosis of Cancer, West China Hospital, Sichuan University).